The following is an entry in ClinVar:

ClinVar aggregate classification (germline): Likely benign. Review status: criteria provided, multiple submitters, no conflicts (2 of 4 stars). 2 submissions from 2 submitters: Likely benign (2). Last evaluated 2025-08-20.

Conditions:
Arginine:glycine amidinotransferase deficiency (CCDS3). Also called: AGAT deficiency; Creatine deficiency syndrome due to AGAT deficiency; GATM deficiency; Cerebral creatine deficiency syndrome 3; L-Arginine:Glycine Amidinotransferase Deficiency; L-Arginine:Glycine Amidinotransferase (AGAT) Deficiency. Identifiers: Orphanet 35704, MedGen C2675179, MONDO:0012996, OMIM 612718.

gnomAD v4.1: 1 of 1,613,328 alleles (0.000062%); highest among the groups gnomAD compares: African/African-American, 0.0013%; no homozygotes.

Submissions (2):

Labcorp Genetics (formerly Invitae), Labcorp
Classification: Likely benign for Arginine:glycine amidinotransferase deficiency. Last evaluated: 2025-08-20. Review status: criteria provided, single submitter. Criteria: Invitae Variant Classification Sherloc (09022015). Collection method: clinical testing. Allele origin: germline.

GeneDx
Classification: Likely benign. Last evaluated: 2016-06-14. Review status: criteria provided, single submitter. Criteria: GeneDx Variant Classification (06012015). Collection method: clinical testing. Allele origin: germline. Affected: yes.
Comment: This variant is considered likely benign or benign based on one or more of the following criteria: it is a conservative change, it occurs at a poorly conserved position in the protein, it is predicted to be benign by multiple in silico algorithms, and/or has population frequency not consistent with disease.

NM_001482.3(GATM):c.330A>C (p.Gln110His)

Gene: GATM (glycine amidinotransferase; minus strand). Cytogenetic location: 15q21.1.
Variant type: single nucleotide variant.
Coding change: c.330A>C on transcript NM_001482.3 (MANE Select); coding-DNA position 330, A replaced by C.
Protein change: p.Gln110His; replaces glutamine 110 with histidine.
Molecular consequence: missense variant. On other transcripts: 5 prime UTR variant (1).
Genome position (GRCh38, 1-based): chr15:45,369,480, T>G on the plus strand (A>C on the coding strand, the complement: GATM is on the minus strand). VCF-style: chr15-45369480-T-G. GRCh37 (hg19) VCF-style: chr15-45661678-T-G.
Other names: c.-58A>C (NM_001321015.2); short protein forms Q110H.
Identifiers: ClinVar variation 386860 (VCV000386860.4), dbSNP rs1288775, ClinGen allele CA7542948.
Genomic context (GRCh38, chr15:45,369,480, plus strand): 5'-CATTTCTTCAATTTCAGCAACAGCCTTTTTCAAATGATCTTTGGGAAAATAATGCCCTCC[T>G]TGCTTCTGGTAAAATGGCCAGTACTTTTCATATGTGTTGGCCTGGAAGTAGAAGCAAATA-3'
Protein context (NP_001473.1, residues 100-120): YEKYWPFYQK[Gln110His]GGHYFPKDHL